The following is an entry in ClinVar:

ClinVar aggregate classification (germline): Uncertain significance (1 of 4 stars; one submission).

Conditions:
Cardiomyopathy (CMYO). Also called: Cardiomyopathies. Identifiers: Orphanet 167848, MedGen C0878544, MONDO:0004994, HP:0001638. Inheritance: Various modes of inheritance.

Allele frequency attached by ClinVar (database versions not stated): gnomAD exomes below 0.00001.
gnomAD v4.1: 6 of 1,613,938 alleles (0.00037%); highest among the groups gnomAD compares: Non-Finnish European, 0.00051%; no homozygotes.

Submission:

Color Diagnostics, LLC DBA Color Health
Classification: Uncertain significance for Cardiomyopathy. Last evaluated: 2024-03-07. Review status: criteria provided, single submitter. Criteria: ACMG Guidelines, 2015. Collection method: clinical testing. Allele origin: germline.
Comment: This missense variant replaces isoleucine with valine at codon 1164 of the DSP protein. Computational prediction suggests that this variant may not impact protein structure and function (internally defined REVEL score threshold <= 0.5, PMID: 27666373). To our knowledge, functional studies have not been reported for this variant. This variant has not been reported in individuals affected with cardiovascular disorders in the literature. This variant has not been identified in the general population by the Genome Aggregation Database (gnomAD). The available evidence is insufficient to determine the role of this variant in disease conclusively. Therefore, this variant is classified as a Variant of Uncertain Significance.

NM_004415.4(DSP):c.3490A>G (p.Ile1164Val)

Gene: DSP (desmoplakin; plus strand). Cytogenetic location: 6p24.3.
Variant type: single nucleotide variant.
Coding change: c.3490A>G on transcript NM_004415.4 (MANE Select); coding-DNA position 3490, A replaced by G.
Protein change: p.Ile1164Val; replaces isoleucine 1164 with valine.
Molecular consequence: missense variant.
Genome position (GRCh38, 1-based): chr6:7,579,680, A>G. VCF-style: chr6-7579680-A-G. GRCh37 (hg19) VCF-style: chr6-7579913-A-G.
Other names: c.3490A>G, p.Ile1164Val (NM_001008844.3, NM_001319034.2); short protein forms I1164V.
Identifiers: ClinVar variation 2775295 (VCV002775295.2), dbSNP rs2533923939, ClinGen allele CA362684179.
Genomic context (GRCh38, chr6:7,579,680, plus strand): 5'-AAAGCAAGGCAATGTGAAAAGGAGAACCTTGGTTGGCAGAAATTAGAGTCTGAGAAAGCC[A>G]TCAAGGAGAAGGAGTACGAGATTGAAAGGTTGAGGGTTCTACTGCAGGAAGAAGGCACCC-3'
Protein context (NP_004406.2, residues 1154-1174): GWQKLESEKA[Ile1164Val]KEKEYEIERL